The following is an entry in ClinVar:

ClinVar aggregate classification (germline): Likely benign (1 of 4 stars; one submission).

Allele frequency attached by ClinVar (database versions not stated): TOPMed 0.01770; gnomAD 0.01673 and 0.01810; 1000 Genomes Project 30x 0.02701; 1000 Genomes Project 0.02995.

Submission:

GeneDx
Classification: Likely benign. Last evaluated: 2018-06-14. Review status: criteria provided, single submitter. Criteria: GeneDx Variant Classification (06012015). Collection method: clinical testing. Allele origin: germline. Affected: yes.
Comment: This variant is considered likely benign or benign based on one or more of the following criteria: it is a conservative change, it occurs at a poorly conserved position in the protein, it is predicted to be benign by multiple in silico algorithms, and/or has population frequency not consistent with disease.

NM_017646.6(TRIT1):c.316-294A>G

Gene: TRIT1 (tRNA isopentenyltransferase 1; minus strand). Cytogenetic location: 1p34.2.
Variant type: single nucleotide variant.
Coding change: c.316-294A>G on transcript NM_017646.6 (MANE Select); 294 bases into the intron before coding-DNA position 316, A replaced by G.
Molecular consequence: intron variant.
Genome position (GRCh38, 1-based): chr1:39,854,362, T>C on the plus strand (A>G on the coding strand, the complement: TRIT1 is on the minus strand). VCF-style: chr1-39854362-T-C. GRCh37 (hg19) VCF-style: chr1-40320034-T-C.
Other names: c.175-1486A>G (NM_001312692.1); c.316-294A>G (NM_001312691.1).
Identifiers: ClinVar variation 673317 (VCV000673317.1), dbSNP rs11580351, ClinGen allele CA20972457.